The following is an entry in ClinVar:

NM_001367949.2(FAT3):c.12713C>G (p.Thr4238Arg)

Gene: FAT3 (FAT atypical cadherin 3; plus strand). Cytogenetic location: 11q14.3.
Variant type: single nucleotide variant.
Coding change: c.12713C>G on transcript NM_001367949.2 (MANE Select); coding-DNA position 12713, C replaced by G.
Protein change: p.Thr4238Arg; replaces threonine 4238 with arginine.
Molecular consequence: missense variant.
Genome position (GRCh38, 1-based): chr11:92,883,169, C>G. VCF-style: chr11-92883169-C-G. GRCh37 (hg19) VCF-style: chr11-92616335-C-G.
Other names: c.12713C>G, p.Thr4238Arg (NM_001008781.3); short protein forms T4238R.
Identifiers: ClinVar variation 3061447 (VCV003061447.2), dbSNP rs2136415000, ClinGen allele CA382325419.
Genomic context (GRCh38, chr11:92,883,169, plus strand): 5'-GCCGCAACGTCTACCAGGAGGTGGGGCCCCCGCAGGTCCCCGTGCGCCCCATGGCCTACA[C>G]ACCCTGCTTCCAGAGTGACTCCAGGAGCAACCTGGATAAGATCGTGGACGGGCTGGGAGG-3'
Protein context (NP_001354878.1, residues 4228-4248): PQVPVRPMAY[Thr4238Arg]PCFQSDSRSN

ClinVar aggregate classification (germline): Uncertain significance (0 of 4 stars; one submission).

Conditions:
FAT3-related disorder. Also called: FAT3-related condition.

Allele frequency attached by ClinVar (database versions not stated): gnomAD exomes below 0.00001.
gnomAD v4.1: 1 of 1,613,570 alleles (0.000062%); highest among the groups gnomAD compares: Non-Finnish European, 0.000085%; no homozygotes.

Submission:

PreventionGenetics, part of Exact Sciences
Classification: Uncertain significance for FAT3-related condition. Last evaluated: 2024-02-22. Review status: no assertion criteria provided. Collection method: clinical testing. Allele origin: germline.
Comment: The FAT3 c.12713C>G variant is predicted to result in the amino acid substitution p.Thr4238Arg. To our knowledge, this variant has not been reported in the literature or in a large population database, indicating this variant is rare. At this time, the clinical significance of this variant is uncertain due to the absence of conclusive functional and genetic evidence.